The following is an entry in ClinVar:

NM_004104.5(FASN):c.6233C>T (p.Thr2078Met)

Gene: FASN (fatty acid synthase; minus strand). Cytogenetic location: 17q25.3.
Variant type: single nucleotide variant.
Coding change: c.6233C>T on transcript NM_004104.5 (MANE Select); coding-DNA position 6233, C replaced by T.
Protein change: p.Thr2078Met; replaces threonine 2078 with methionine.
Molecular consequence: missense variant.
Genome position (GRCh38, 1-based): chr17:82,081,774, G>A on the plus strand (C>T on the coding strand, the complement: FASN is on the minus strand). VCF-style: chr17-82081774-G-A. GRCh37 (hg19) VCF-style: chr17-80039650-G-A.
Other names: short protein forms T2078M.
Identifiers: ClinVar variation 1367244 (VCV001367244.6), dbSNP rs765291298, ClinGen allele CA8851360.

ClinVar aggregate classification (germline): Uncertain significance (1 of 4 stars; one submission).

Conditions:
Epileptic encephalopathy. Identifiers: MedGen C0543888, HP:0200134.

Allele frequency attached by ClinVar (database versions not stated): gnomAD exomes below 0.00001 and 0.00001; ExAC 0.00001; gnomAD 0.00001; TOPMed 0.00001.
gnomAD v4.1: 9 of 1,612,446 alleles (0.00056%); highest among the groups gnomAD compares: East Asian, 0.0045%; no homozygotes.

Submission:

Labcorp Genetics (formerly Invitae), Labcorp
Classification: Uncertain significance for Epileptic encephalopathy. Last evaluated: 2021-09-10. Review status: criteria provided, single submitter. Criteria: Invitae Variant Classification Sherloc (09022015). Collection method: clinical testing. Allele origin: germline.
Comment: Algorithms developed to predict the effect of missense changes on protein structure and function output the following: SIFT: "Tolerated"; PolyPhen-2: "Benign"; Align-GVGD: "Class C0". The methionine amino acid residue is found in multiple mammalian species, which suggests that this missense change does not adversely affect protein function. This variant has not been reported in the literature in individuals affected with FASN-related conditions. This variant is present in population databases (rs765291298, ExAC 0.009%). This sequence change replaces threonine with methionine at codon 2078 of the FASN protein (p.Thr2078Met). The threonine residue is moderately conserved and there is a moderate physicochemical difference between threonine and methionine. In summary, the available evidence is currently insufficient to determine the role of this variant in disease. Therefore, it has been classified as a Variant of Uncertain Significance.